The following is an entry in ClinVar:

ClinVar aggregate classification (germline): Uncertain significance (1 of 4 stars; one submission).

Conditions:
Neuropathy, hereditary sensory, type 2C. Also called: Hereditary sensory and autonomic neuropathy type IIC; KIF1A-Related HSAN2 (HSAN2C). Identifiers: Orphanet 970, MedGen C3280168, MONDO:0013634, OMIM 614213.
Intellectual disability, autosomal dominant 9 (NESCAVS). Also called: KIF1A-Related Neurodevelopmental Disorder; NESCAV SYNDROME. Identifiers: Orphanet 662367, MedGen C5393830, MONDO:0013656, OMIM 614255.
Hereditary spastic paraplegia 30. Identifiers: Orphanet 101010, MedGen C5235139, MONDO:0012476.

Allele frequency attached by ClinVar (database versions not stated): gnomAD 0.00001; TOPMed 0.00002.

Submission:

Labcorp Genetics (formerly Invitae), Labcorp
Classification: Uncertain significance for Hereditary spastic paraplegia 30; Neuropathy, hereditary sensory, type 2C; Intellectual disability, autosomal dominant 9. Last evaluated: 2025-04-07. Review status: criteria provided, single submitter. Criteria: Invitae Variant Classification Sherloc (09022015). Collection method: clinical testing. Allele origin: germline.
Comment: This sequence change replaces glutamic acid, which is acidic and polar, with glutamine, which is neutral and polar, at codon 701 of the KIF1A protein (p.Glu701Gln). The frequency data for this variant in the population databases is considered unreliable, as metrics indicate poor data quality at this position in the gnomAD database. This variant has not been reported in the literature in individuals affected with KIF1A-related conditions. ClinVar contains an entry for this variant (Variation ID: 969490). Invitae Evidence Modeling of protein sequence and biophysical properties (such as structural, functional, and spatial information, amino acid conservation, physicochemical variation, residue mobility, and thermodynamic stability) has been performed for this missense variant. However, the output from this modeling did not meet the statistical confidence thresholds required to predict the impact of this variant on KIF1A protein function. In summary, the available evidence is currently insufficient to determine the role of this variant in disease. Therefore, it has been classified as a Variant of Uncertain Significance.

NM_001244008.2(KIF1A):c.2128G>C (p.Glu710Gln)

Gene: KIF1A (kinesin family member 1A; minus strand). Cytogenetic location: 2q37.3.
Variant type: single nucleotide variant.
Coding change: c.2128G>C on transcript NM_001244008.2 (MANE Select); coding-DNA position 2128, G replaced by C.
Protein change: p.Glu710Gln; replaces glutamic acid 710 with glutamine.
Molecular consequence: missense variant.
Genome position (GRCh38, 1-based): chr2:240,761,366, C>G on the plus strand (G>C on the coding strand, the complement: KIF1A is on the minus strand). VCF-style: chr2-240761366-C-G. GRCh37 (hg19) VCF-style: chr2-241700783-C-G.
Other names: c.2128G>C, p.Glu710Gln (NM_001320705.2, NM_001330289.2, NM_001379638.1); c.2203G>C, p.Glu735Gln (NM_001330290.2, NM_001379631.1, NM_001379634.1 and 2 more transcripts); c.2101G>C, p.Glu701Gln (NM_001379632.1, NM_001379633.1, NM_001379636.1 and 10 more transcripts); c.2176G>C, p.Glu726Gln (NM_001379637.1, NM_001379648.1); short protein forms E701Q, E710Q, E726Q, E735Q.
Identifiers: ClinVar variation 969490 (VCV000969490.10), dbSNP rs755944462, ClinGen allele CA2208179.